The following is an entry in ClinVar:

NM_000218.3(KCNQ1):c.1394-9616G>A

Genes: KCNQ1 (potassium voltage-gated channel subfamily Q member 1; plus strand), KCNQ1OT1 (KCNQ1 opposite strand/antisense transcript 1; minus strand). Cytogenetic location: 11p15.5.
Variant type: single nucleotide variant.
Coding change: c.1394-9616G>A on transcript NM_000218.3 (MANE Select); 9616 bases into the intron before coding-DNA position 1394, G replaced by A.
Molecular consequence: intron variant. On other transcripts: non-coding transcript variant (1).
Genome position (GRCh38, 1-based): chr11:2,652,345, G>A. VCF-style: chr11-2652345-G-A. GRCh37 (hg19) VCF-style: chr11-2673575-G-A.
Other names: c.1124-9616G>A (NM_001406837.1); c.1298-9616G>A (NM_001406836.1); c.854-9616G>A (NM_001406838.1); c.1013-9616G>A (NM_181798.2).
Identifiers: ClinVar variation 3060932 (VCV003060932.2), dbSNP rs6578283, ClinGen allele CA13547824.

ClinVar aggregate classification (germline): Benign (0 of 4 stars; one submission).

Conditions:
KCNQ1-related disorder. Also called: KCNQ1-related condition; KCNQ1-related disorders. Identifiers: MedGen CN239322.

Allele frequency attached by ClinVar (database versions not stated): TOPMed 0.64842; 1000 Genomes Project 30x 0.65428; gnomAD 0.65556; 1000 Genomes Project 0.65795; gnomAD exomes 0.70919.
gnomAD v4.1: 274,151 of 398,486 alleles (69%); highest among the groups gnomAD compares: East Asian, 85%; 95,652 homozygotes.

Submission:

PreventionGenetics, part of Exact Sciences
Classification: Benign for KCNQ1-related condition. Last evaluated: 2020-01-17. Review status: no assertion criteria provided. Collection method: clinical testing. Allele origin: germline.
Comment: This variant is classified as benign based on ACMG/AMP sequence variant interpretation guidelines (Richards et al. 2015 PMID: 25741868, with internal and published modifications).